The following is an entry in ClinVar:

NM_000135.4(FANCA):c.3481A>G (p.Thr1161Ala)

Gene: FANCA (FA complementation group A; minus strand). Cytogenetic location: 16q24.3.
Variant type: single nucleotide variant.
Coding change: c.3481A>G on transcript NM_000135.4 (MANE Select); coding-DNA position 3481, A replaced by G.
Protein change: p.Thr1161Ala; replaces threonine 1161 with alanine.
Molecular consequence: missense variant.
Genome position (GRCh38, 1-based): chr16:89,746,616, T>C on the plus strand (A>G on the coding strand, the complement: FANCA is on the minus strand). VCF-style: chr16-89746616-T-C. GRCh37 (hg19) VCF-style: chr16-89813024-T-C.
Other names: c.3481A>G, p.Thr1161Ala (NM_001286167.3); short protein forms T1161A.
Identifiers: ClinVar variation 2187250 (VCV002187250.1), dbSNP rs773036532, ClinGen allele CA8251140.
Genomic context (GRCh38, chr16:89,746,616, plus strand): 5'-AAAACACCAAACAAGACAGCTGACCCACCAGAGCAGAGGTCAAAATTAAGGGGCATTTCG[T>C]CTGGCACTTGGCCAGTATGAAGTCGACCATCAGGGAGGGGTCTCTGCTCCGCAGACAGGC-3'
Protein context (NP_000126.2, residues 1151-1171): MVDFILAKCQ[Thr1161Ala]KCPLILTSAL

ClinVar aggregate classification (germline): Uncertain significance (1 of 4 stars; one submission).

Conditions:
Fanconi anemia (FA). Also called: Fanconi's anemia. Identifiers: Orphanet 84, MedGen C0015625, MeSH D005199, MONDO:0019391.

Allele frequency attached by ClinVar (database versions not stated): gnomAD exomes below 0.00001; ExAC 0.00001; gnomAD 0.00001.
gnomAD v4.1: 2 of 1,614,054 alleles (0.00012%); highest among the groups gnomAD compares: Non-Finnish European, 0.00017%; no homozygotes.

Submission:

Labcorp Genetics (formerly Invitae), Labcorp
Classification: Uncertain significance for Fanconi anemia. Last evaluated: 2022-10-20. Review status: criteria provided, single submitter. Criteria: Invitae Variant Classification Sherloc (09022015). Collection method: clinical testing. Allele origin: germline.
Comment: This sequence change replaces threonine, which is neutral and polar, with alanine, which is neutral and non-polar, at codon 1161 of the FANCA protein (p.Thr1161Ala). This variant is present in population databases (rs773036532, gnomAD 0.0009%). This variant has not been reported in the literature in individuals affected with FANCA-related conditions. Advanced modeling of protein sequence and biophysical properties (such as structural, functional, and spatial information, amino acid conservation, physicochemical variation, residue mobility, and thermodynamic stability) performed at Invitae indicates that this missense variant is not expected to disrupt FANCA protein function. In summary, the available evidence is currently insufficient to determine the role of this variant in disease. Therefore, it has been classified as a Variant of Uncertain Significance.